The following is an entry in ClinVar:

NM_018896.5(CACNA1G):c.2977G>T (p.Gly993Trp)

Gene: CACNA1G (calcium voltage-gated channel subunit alpha1 G; plus strand). Cytogenetic location: 17q21.33.
Variant type: single nucleotide variant.
Coding change: c.2977G>T on transcript NM_018896.5 (MANE Select); coding-DNA position 2977, G replaced by T.
Protein change: p.Gly993Trp; replaces glycine 993 with tryptophan.
Molecular consequence: missense variant. On other transcripts: non-coding transcript variant (3), intron variant (8).
Genome position (GRCh38, 1-based): chr17:50,595,059, G>T. VCF-style: chr17-50595059-G-T. GRCh37 (hg19) VCF-style: chr17-48672420-G-T.
Other names: c.2977G>T, p.Gly993Trp (NM_001256324.2, NM_001256325.2, NM_001256326.2 and 16 more transcripts); c.2911-1503G>T (NM_198396.3, NM_198379.3, NM_198387.3 and 5 more transcripts); short protein forms G993W.
Identifiers: ClinVar variation 5016987 (VCV005016987.1).
Genomic context (GRCh38, chr17:50,595,059, plus strand): 5'-AGCAAACGGGAAGATGCGAGTGGACAGTTAAGCTGTATTCAGCTGCCTGTCGACTCCCAG[G>T]GGGTAGGTACGCGATCATGAGCCGGCATGCCTCCCGTGCCCCATGCCCGTGCCCCTCCAC-3'
Protein context (NP_061496.2, residues 983-1003): SCIQLPVDSQ[Gly993Trp]GDANKSESEP

ClinVar aggregate classification (germline): Uncertain significance (1 of 4 stars; one submission).

Submission:

GeneDx
Classification: Uncertain significance. Last evaluated: 2026-03-29. Review status: criteria provided, single submitter. Criteria: GeneDx Variant Classification Process June 2021. Collection method: clinical testing. Allele origin: germline.
Comment: Not observed at significant frequency in large population cohorts (gnomAD); In silico analysis suggests that this missense variant does not alter protein structure/function; Has not been previously published as pathogenic or benign to our knowledge